The following is an entry in ClinVar:

ClinVar aggregate classification (germline): Pathogenic (1 of 4 stars; one submission).

Conditions:
Charlevoix-Saguenay spastic ataxia (SACS). Also called: AUTOSOMAL RECESSIVE SPASTIC ATAXIA OF CHARLEVOIX-SAGUENAY; Spastic ataxia of Charlevoix-Saguenay; SPASTIC ATAXIA 6, AUTOSOMAL RECESSIVE. Identifiers: Orphanet 98, MedGen C1849140, MONDO:0010041, OMIM 270550.

Submission:

3billion
Classification: Pathogenic for Charlevoix-Saguenay spastic ataxia. Last evaluated: 2023-07-19. Review status: criteria provided, single submitter. Criteria: ACMG Guidelines, 2015. Collection method: clinical testing. Allele origin: germline. Affected: yes.
Comment: The variant is not observed in the gnomAD v2.1.1 dataset. Predicted Consequence/Location: Stop-gained (nonsense): predicted to result in a loss or disruption of normal protein function through nonsense-mediated decay (NMD) or protein truncation. Multiple pathogenic variants are reported downstream of the variant. Therefore, this variant is classified as Pathogenic according to the recommendation of ACMG/AMP guideline.

NM_014363.6(SACS):c.506G>A (p.Trp169Ter)

Gene: SACS (sacsin molecular chaperone; minus strand). Cytogenetic location: 13q12.12.
Variant type: single nucleotide variant.
Coding change: c.506G>A on transcript NM_014363.6 (MANE Select); coding-DNA position 506, G replaced by A.
Protein change: p.Trp169Ter; replaces tryptophan 169 with a stop codon.
Molecular consequence: nonsense.
Genome position (GRCh38, 1-based): chr13:23,358,433, C>T on the plus strand (G>A on the coding strand, the complement: SACS is on the minus strand). VCF-style: chr13-23358433-C-T. GRCh37 (hg19) VCF-style: chr13-23932572-C-T.
Other names: c.65G>A, p.Trp22Ter (NM_001278055.2); short protein forms W169*, W22*.
Identifiers: ClinVar variation 3775190 (VCV003775190.1).